The following is an entry in ClinVar:

ClinVar aggregate classification (germline): Uncertain significance (1 of 4 stars; one submission).

Conditions:
Isolated microphthalmia 5. Also called: Posterior Microphthalmia with Retinitis Pigmentosa, Foveoschisis, and Optic Disc Drusen. Identifiers: Orphanet 251279, MedGen C1970236, MONDO:0012605, OMIM 611040.

gnomAD v4.1: 8 of 1,613,702 alleles (0.0005%); highest among the groups gnomAD compares: East Asian, 0.0045%; no homozygotes.

Submission:

Labcorp Genetics (formerly Invitae), Labcorp
Classification: Uncertain significance for Isolated microphthalmia 5. Last evaluated: 2022-10-25. Review status: criteria provided, single submitter. Criteria: Invitae Variant Classification Sherloc (09022015). Collection method: clinical testing. Allele origin: germline.
Comment: This sequence change replaces glycine, which is neutral and non-polar, with aspartic acid, which is acidic and polar, at codon 210 of the MFRP protein (p.Gly210Asp). This variant is present in population databases (rs150902999, gnomAD 0.0009%). This variant has not been reported in the literature in individuals affected with MFRP-related conditions. ClinVar contains an entry for this variant (Variation ID: 1003910). Advanced modeling of protein sequence and biophysical properties (such as structural, functional, and spatial information, amino acid conservation, physicochemical variation, residue mobility, and thermodynamic stability) performed at Invitae indicates that this missense variant is not expected to disrupt MFRP protein function. In summary, the available evidence is currently insufficient to determine the role of this variant in disease. Therefore, it has been classified as a Variant of Uncertain Significance.

NM_031433.4(MFRP):c.629G>A (p.Gly210Asp)

Genes: C1QTNF5 (C1q and TNF related 5; minus strand), MFRP (membrane frizzled-related protein; minus strand). Cytogenetic location: 11q23.3.
Variant type: single nucleotide variant.
Coding change: c.629G>A on transcript NM_031433.4 (MANE Select); coding-DNA position 629, G replaced by A.
Protein change: p.Gly210Asp; replaces glycine 210 with aspartic acid.
Molecular consequence: missense variant. On other transcripts: 5 prime UTR variant (1).
Genome position (GRCh38, 1-based): chr11:119,345,432, C>T on the plus strand (G>A on the coding strand, the complement: MFRP is on the minus strand). VCF-style: chr11-119345432-C-T. GRCh37 (hg19) VCF-style: chr11-119216142-C-T.
Other names: c.-2008G>A (NM_015645.5); short protein forms G210D.
Identifiers: ClinVar variation 1003910 (VCV001003910.45), dbSNP rs150902999, ClinGen allele CA6320489.
Genomic context (GRCh38, chr11:119,345,432, plus strand): 5'-ATAGTGGTTCAGGACACGGTGGGATGTCCTGGGGACAGAGGGACCTACCTGAGGAGGGGG[C>T]CTTCAGGCTCAGGGGAGAGTTCCAAGCGATCAAAAAGGCAAGAGGCCACACTCTCTATGC-3'
Protein context (NP_113621.1, residues 200-220): DRLELSPEPE[Gly210Asp]PLLRVCGRVP